The following is an entry in ClinVar:

ClinVar aggregate classification (germline): Uncertain significance (1 of 4 stars; one submission).

Conditions:
Familial cold autoinflammatory syndrome 3 (FCAS3). Also called: FAMILIAL ATYPICAL COLD URTICARIA; ANTIBODY DEFICIENCY AND IMMUNE DYSREGULATION, PLCG2-ASSOCIATED. Identifiers: Orphanet 300359, MedGen C3280914, MONDO:0013766, OMIM 614468.

Allele frequency attached by ClinVar (database versions not stated): gnomAD exomes below 0.00001.
gnomAD v4.1: 1 of 1,514,864 alleles (0.000066%); highest among the groups gnomAD compares: Middle Eastern, 0.017%; no homozygotes.

Submission:

Labcorp Genetics (formerly Invitae), Labcorp
Classification: Uncertain significance for Familial cold autoinflammatory syndrome 3. Last evaluated: 2025-07-27. Review status: criteria provided, single submitter. Criteria: Invitae Variant Classification Sherloc (09022015). Collection method: clinical testing. Allele origin: germline.
Comment: This sequence change falls in intron 7 of the PLCG2 gene. It does not directly change the encoded amino acid sequence of the PLCG2 protein. It affects a nucleotide within the consensus splice site. This variant is not present in population databases (gnomAD no frequency). This variant has not been reported in the literature in individuals affected with PLCG2-related conditions. ClinVar contains an entry for this variant (Variation ID: 1466259). Variants that disrupt the consensus splice site are a relatively common cause of aberrant splicing (PMID: 17576681, 9536098). Algorithms developed to predict the effect of sequence changes on RNA splicing suggest that this variant may disrupt the consensus splice site. In summary, the available evidence is currently insufficient to determine the role of this variant in disease. Therefore, it has been classified as a Variant of Uncertain Significance.

Literature cited by the submitters: PubMed 17576681; PubMed 9536098.

NM_002661.5(PLCG2):c.648+4A>T

Gene: PLCG2 (phospholipase C gamma 2; plus strand). Cytogenetic location: 16q23.3.
Variant type: single nucleotide variant.
Coding change: c.648+4A>T on transcript NM_002661.5 (MANE Select); 4 bases into the intron after coding-DNA position 648, A replaced by T.
Molecular consequence: intron variant.
Genome position (GRCh38, 1-based): chr16:81,870,939, A>T. VCF-style: chr16-81870939-A-T. GRCh37 (hg19) VCF-style: chr16-81904544-A-T.
Identifiers: ClinVar variation 1466259 (VCV001466259.6), dbSNP rs2143532795, ClinGen allele CA496706953.